The following is an entry in ClinVar:

ClinVar aggregate classification (germline): Uncertain significance. Review status: criteria provided, multiple submitters, no conflicts (2 of 4 stars). 2 submissions from 2 submitters: Uncertain significance (2). Last evaluated 2023-02-15.

Allele frequency attached by ClinVar (database versions not stated): gnomAD exomes below 0.00001.

Submissions (2):

Women's Health and Genetics/Laboratory Corporation of America, LabCorp
Classification: Uncertain significance. Last evaluated: 2023-02-15. Review status: criteria provided, single submitter. Criteria: LabCorp Variant Classification Summary - May 2015. Collection method: clinical testing. Allele origin: germline.
Comment: Variant summary: EIF2B1 c.627+3A>G alters a conserved nucleotide located close to a canonical splice site and therefore could affect mRNA splicing, leading to a significantly altered protein sequence. The variant was absent in 251446 control chromosomes. The available data on variant occurrences in the general population are insufficient to allow any conclusion about variant significance. To our knowledge, no occurrence of c.627+3A>G in individuals affected with Leukoencephalopathy With Vanishing White Matter and no experimental evidence demonstrating its impact on protein function have been reported. One clinical diagnostic laboratory has submitted clinical-significance assessments for this variant to ClinVar after 2014 without evidence for independent evaluation. One laboratory classified the variant as uncertain significance. Based on the evidence outlined above, the variant was classified as uncertain significance.

Labcorp Genetics (formerly Invitae), Labcorp
Classification: Uncertain significance. Last evaluated: 2022-04-19. Review status: criteria provided, single submitter. Criteria: Invitae Variant Classification Sherloc (09022015). Collection method: clinical testing. Allele origin: germline.
Comment: This sequence change falls in intron 7 of the EIF2B1 gene. It does not directly change the encoded amino acid sequence of the EIF2B1 protein. It affects a nucleotide within the consensus splice site. This variant is not present in population databases (gnomAD no frequency). This variant has not been reported in the literature in individuals affected with EIF2B1-related conditions. Variants that disrupt the consensus splice site are a relatively common cause of aberrant splicing (PMID: 17576681, 9536098). Algorithms developed to predict the effect of sequence changes on RNA splicing suggest that this variant is not likely to affect RNA splicing. In summary, the available evidence is currently insufficient to determine the role of this variant in disease. Therefore, it has been classified as a Variant of Uncertain Significance.

Literature cited by the submitters: PubMed 17576681 (cited by Labcorp Genetics (formerly Invitae), Labcorp); PubMed 9536098 (cited by Labcorp Genetics (formerly Invitae), Labcorp).

NM_001414.4(EIF2B1):c.627+3A>G

Gene: EIF2B1 (eukaryotic translation initiation factor 2B subunit alpha; minus strand). Cytogenetic location: 12q24.31.
Variant type: single nucleotide variant.
Coding change: c.627+3A>G on transcript NM_001414.4 (MANE Select); 3 bases into the intron after coding-DNA position 627, A replaced by G.
Molecular consequence: intron variant.
Genome position (GRCh38, 1-based): chr12:123,624,784, T>C on the plus strand (A>G on the coding strand, the complement: EIF2B1 is on the minus strand). VCF-style: chr12-123624784-T-C. GRCh37 (hg19) VCF-style: chr12-124109331-T-C.
Other names: c.627+3A>G (NM_001414.3).
Identifiers: ClinVar variation 1905437 (VCV001905437.3), dbSNP rs2547827972, ClinGen allele CA2575341124.